The following is an entry in ClinVar:

ClinVar aggregate classification (germline): Uncertain significance. Review status: criteria provided, multiple submitters, no conflicts (2 of 4 stars). 3 submissions from 3 submitters: Uncertain significance (3). Last evaluated 2025-11-18.

Conditions:
Cardiovascular phenotype. Identifiers: MedGen CN230736.

Allele frequency attached by ClinVar (database versions not stated): gnomAD 0.00003 and 0.00004; gnomAD exomes 0.00003 and 0.00004; TOPMed 0.00003; ExAC 0.00006.
gnomAD v4.1: 54 of 1,609,622 alleles (0.0034%); highest among the groups gnomAD compares: Middle Eastern, 0.016%; no homozygotes.

Submissions (3):

Women's Health and Genetics/Laboratory Corporation of America, LabCorp
Classification: Uncertain significance. Last evaluated: 2025-11-18. Review status: criteria provided, single submitter. Criteria: LabCorp Variant Classification Summary - May 2015. Collection method: clinical testing. Allele origin: germline.
Comment: Variant summary: TNXB c.5330G>A (p.Arg1777His) results in a non-conservative amino acid change in the encoded protein sequence. Algorithms developed to predict the effect of missense changes on protein structure and function are either unavailable or do not agree on the potential impact of this missense change. The variant allele was found at a frequency of 4e-05 in 247430 control chromosomes. This frequency is not significantly higher than estimated for disease-causing variants in TNXB, allowing no conclusion about variant significance. To our knowledge, no occurrence of c.5330G>A in individuals affected with TNXB-related conditions and no experimental evidence demonstrating its impact on protein function have been reported. ClinVar contains an entry for this variant (Variation ID: 1313510). Based on the evidence outlined above, the variant was classified as uncertain significance.

Ambry Genetics
Classification: Uncertain significance for Cardiovascular phenotype. Last evaluated: 2025-09-12. Review status: criteria provided, single submitter. Criteria: Ambry Variant Classification Scheme 2023. Collection method: clinical testing. Allele origin: germline.
Comment: The p.R1777H variant (also known as c.5330G>A), located in coding exon 14 of the TNXB gene, results from a G to A substitution at nucleotide position 5330. The arginine at codon 1777 is replaced by histidine, an amino acid with highly similar properties. This amino acid position is conserved. In addition, this alteration is predicted to be tolerated by in silico analysis. Since supporting evidence is limited at this time, the clinical significance of this alteration remains unclear.

GeneDx
Classification: Uncertain significance. Last evaluated: 2025-03-23. Review status: criteria provided, single submitter. Criteria: GeneDx Variant Classification Process June 2021. Collection method: clinical testing. Allele origin: germline. Affected: yes.
Comment: Has not been previously published as pathogenic or benign to our knowledge; In silico analysis supports that this missense variant has a deleterious effect on protein structure/function

NM_001365276.2(TNXB):c.5330G>A (p.Arg1777His)

Gene: TNXB (tenascin XB; minus strand). Cytogenetic location: 6p21.33.
Variant type: single nucleotide variant.
Coding change: c.5330G>A on transcript NM_001365276.2 (MANE Select); coding-DNA position 5330, G replaced by A.
Protein change: p.Arg1777His; replaces arginine 1777 with histidine.
Molecular consequence: missense variant.
Genome position (GRCh38, 1-based): chr6:32,069,810, C>T on the plus strand (G>A on the coding strand, the complement: TNXB is on the minus strand). VCF-style: chr6-32069810-C-T. GRCh37 (hg19) VCF-style: chr6-32037587-C-T.
Other names: c.5330G>A, p.Arg1777His (NM_019105.8); short protein forms R1777H.
Identifiers: ClinVar variation 1313510 (VCV001313510.10), dbSNP rs767799073, ClinGen allele CA3734727.